The following is an entry in ClinVar:

ClinVar aggregate classification (germline): Uncertain significance (1 of 4 stars; one submission).

Conditions:
Cardiovascular phenotype. Identifiers: MedGen CN230736.

gnomAD v4.1: 1 of 1,555,564 alleles (0.000064%); highest among the groups gnomAD compares: South Asian, 0.0012%; no homozygotes.

Submission:

Ambry Genetics
Classification: Uncertain significance for Cardiovascular phenotype. Last evaluated: 2026-07-06. Review status: criteria provided, single submitter. Criteria: Ambry Variant Classification Scheme 2023. Collection method: clinical testing. Allele origin: germline.
Comment: The p.E793Q variant (also known as c.2377G>C), located in coding exon 15 of the FLNC gene, results from a G to C substitution at nucleotide position 2377. The glutamic acid at codon 793 is replaced by glutamine, an amino acid with highly similar properties. This amino acid position is conserved. In addition, this alteration is predicted to be tolerated by in silico analysis. Based on the available evidence, the clinical significance of this variant remains unclear.

NM_001458.5(FLNC):c.2377G>C (p.Glu793Gln)

Gene: FLNC (filamin C; plus strand). Cytogenetic location: 7q32.1.
Variant type: single nucleotide variant.
Coding change: c.2377G>C on transcript NM_001458.5 (MANE Select); coding-DNA position 2377, G replaced by C.
Protein change: p.Glu793Gln; replaces glutamic acid 793 with glutamine.
Molecular consequence: missense variant.
Genome position (GRCh38, 1-based): chr7:128,842,686, G>C. VCF-style: chr7-128842686-G-C. GRCh37 (hg19) VCF-style: chr7-128482740-G-C.
Other names: c.2377G>C, p.Glu793Gln (NM_001127487.2); short protein forms E793Q.
Identifiers: ClinVar variation 2478248 (VCV002478248.3), dbSNP rs187143486, ClinGen allele CA369191410.